The following is an entry in ClinVar:

NM_002890.3(RASA1):c.3131A>G (p.Asn1044Ser)

Genes: CCNH (cyclin H; minus strand), RASA1 (RAS p21 protein activator 1; plus strand). Cytogenetic location: 5q14.3.
Variant type: single nucleotide variant.
Coding change: c.3131A>G on transcript NM_002890.3 (MANE Select); coding-DNA position 3131, A replaced by G.
Protein change: p.Asn1044Ser; replaces asparagine 1044 with serine.
Molecular consequence: missense variant. On other transcripts: 3 prime UTR variant (2), non-coding transcript variant (1), intron variant (1).
Genome position (GRCh38, 1-based): chr5:87,390,870, A>G. VCF-style: chr5-87390870-A-G. GRCh37 (hg19) VCF-style: chr5-86686687-A-G.
Other names: c.2600A>G, p.Asn867Ser (NM_022650.3); c.*1990T>C (NM_001363539.2, NM_001364076.2); c.933+4174T>C (NM_001364075.2); short protein forms N1044S, N867S.
Identifiers: ClinVar variation 1937491 (VCV001937491.5), dbSNP rs764515827, ClinGen allele CA3336234.

ClinVar aggregate classification (germline): Conflicting classifications of pathogenicity. Review status: criteria provided, conflicting classifications (1 of 4 stars). 2 submissions from 2 submitters: Uncertain significance (1); Likely benign (1). Last evaluated 2025-05-18.

Conditions:
Cardiovascular phenotype. Identifiers: MedGen CN230736.
Capillary malformation-arteriovenous malformation syndrome. Also called: Capillary malformation-arteriovenous malformation. Identifiers: Orphanet 137667, MedGen C1842180, MONDO:0012016.

Allele frequency attached by ClinVar (database versions not stated): ExAC 0.00002; gnomAD exomes 0.00001; TOPMed below 0.00001.
gnomAD v4.1: 9 of 1,611,728 alleles (0.00056%); highest among the groups gnomAD compares: African/African-American, 0.0013%; no homozygotes.

Submissions (2):

Ambry Genetics
Classification: Likely benign for Cardiovascular phenotype. Last evaluated: 2025-05-18. Review status: criteria provided, single submitter. Criteria: Ambry Variant Classification Scheme 2023. Collection method: clinical testing. Allele origin: germline.

Labcorp Genetics (formerly Invitae), Labcorp
Classification: Uncertain significance for Capillary malformation-arteriovenous malformation syndrome. Last evaluated: 2022-05-14. Review status: criteria provided, single submitter. Criteria: Invitae Variant Classification Sherloc (09022015). Collection method: clinical testing. Allele origin: germline.
Comment: In summary, the available evidence is currently insufficient to determine the role of this variant in disease. Therefore, it has been classified as a Variant of Uncertain Significance. Algorithms developed to predict the effect of missense changes on protein structure and function (SIFT, PolyPhen-2, Align-GVGD) all suggest that this variant is likely to be tolerated. This variant has not been reported in the literature in individuals affected with RASA1-related conditions. This variant is present in population databases (rs764515827, gnomAD 0.006%). This sequence change replaces asparagine, which is neutral and polar, with serine, which is neutral and polar, at codon 1044 of the RASA1 protein (p.Asn1044Ser).